The following is an entry in ClinVar:

NM_017763.6(RNF43):c.2211A>G (p.Pro737=)

Gene: RNF43 (ring finger protein 43; minus strand). Cytogenetic location: 17q22.
Variant type: single nucleotide variant.
Coding change: c.2211A>G on transcript NM_017763.6 (MANE Select); coding-DNA position 2211, A replaced by G.
Protein change: p.Pro737=; no amino-acid change (proline 737 retained).
Molecular consequence: synonymous variant.
Genome position (GRCh38, 1-based): chr17:58,357,565, T>C on the plus strand (A>G on the coding strand, the complement: RNF43 is on the minus strand). VCF-style: chr17-58357565-T-C. GRCh37 (hg19) VCF-style: chr17-56434926-T-C.
Other names: c.2211A>G, p.Pro737= (NM_001305544.3); c.1830A>G, p.Pro610= (NM_001305545.2).
Identifiers: ClinVar variation 3434519 (VCV003434519.2).
Genomic context (GRCh38, chr17:58,357,565, plus strand): 5'-GCATGGCCTGCCCTCTGCGGTGTCAGAACTCCATTCAGAAGGCCCCTCCCCAGGTGGATG[T>C]GGTTCCAGGGGCTGGCGAGGAGTCAGGCACAACCACACTGGCTGTGAATTTGAGTAACAG-3'
Protein context (NP_060233.3, residues 727-747): LCLTPRQPLE[Pro737=]HPPGEGPSEW

ClinVar aggregate classification (germline): Benign/Likely benign. Review status: criteria provided, multiple submitters, no conflicts (2 of 4 stars). 2 submissions from 2 submitters: Benign (1); Likely benign (1). Last evaluated 2026-07-02.

Conditions:
Sessile serrated polyposis cancer syndrome (SSPCS). Identifiers: Orphanet 157798, MedGen C4310714, MONDO:0014919, OMIM 617108.

gnomAD v4.1: 3 of 1,614,044 alleles (0.00019%); highest among the groups gnomAD compares: Non-Finnish European, 0.00025%; no homozygotes.

Submissions (2):

Myriad Genetics, Inc.
Classification: Benign for Sessile serrated polyposis cancer syndrome. Last evaluated: 2026-07-02. Review status: criteria provided, single submitter. Criteria: Myriad Autosomal Dominant, Autosomal Recessive and X-Linked Classification Criteria (2023). Collection method: clinical testing. Allele origin: unknown.
Comment: This variant is considered benign. This variant is a silent/synonymous amino acid change and it is not expected to impact splicing.

Ambry Genetics
Classification: Likely benign. Last evaluated: 2024-11-25. Review status: criteria provided, single submitter. Criteria: Ambry Variant Classification Scheme 2023. Collection method: clinical testing. Allele origin: germline.